The following is an entry in ClinVar:

ClinVar aggregate classification (germline): Likely benign. Review status: criteria provided, single submitter (1 of 4 stars). 2 submissions from 2 submitters: Likely benign (1). 1 of the submissions does not count toward it. Last evaluated 2022-12-15.

Conditions:
Inborn genetic diseases. Identifiers: MedGen C0950123, MeSH D030342.
MAGEL2-related disorder. Also called: MAGEL2-related condition.

Allele frequency attached by ClinVar (database versions not stated): ExAC 0.00003.
gnomAD v4.1: 18 of 1,613,774 alleles (0.0011%); highest among the groups gnomAD compares: East Asian, 0.0022%; no homozygotes.

Submissions (2):

Ambry Genetics
Classification: Likely benign for Inborn genetic diseases. Last evaluated: 2022-12-15. Review status: criteria provided, single submitter. Criteria: Ambry Variant Classification Scheme 2023. Collection method: clinical testing. Allele origin: germline.

PreventionGenetics, part of Exact Sciences
Classification: Uncertain significance for MAGEL2-related condition. Last evaluated: 2024-05-08. Review status: no assertion criteria provided. Collection method: clinical testing. Allele origin: germline. Not counted in ClinVar's aggregate classification.
Comment: The MAGEL2 c.2230G>A variant is predicted to result in the amino acid substitution p.Ala744Thr. To our knowledge, this variant has not been reported in the literature. This variant is reported in 0.068% of alleles in individuals of Ashkenazi Jewish descent in gnomAD. At this time, the clinical significance of this variant is uncertain due to the absence of conclusive functional and genetic evidence.

NM_019066.5(MAGEL2):c.2230G>A (p.Ala744Thr)

Gene: MAGEL2 (MAGE family member L2; minus strand). Cytogenetic location: 15q11.2.
Variant type: single nucleotide variant.
Coding change: c.2230G>A on transcript NM_019066.5 (MANE Select); coding-DNA position 2230, G replaced by A.
Protein change: p.Ala744Thr; replaces alanine 744 with threonine.
Molecular consequence: missense variant.
Genome position (GRCh38, 1-based): chr15:23,645,513, C>T on the plus strand (G>A on the coding strand, the complement: MAGEL2 is on the minus strand). VCF-style: chr15-23645513-C-T. GRCh37 (hg19) VCF-style: chr15-23890660-C-T.
Other names: short protein forms A744T.
Identifiers: ClinVar variation 2335660 (VCV002335660.4), dbSNP rs764011034, ClinGen allele CA7429933.